The following is an entry in ClinVar:

NM_000059.4(BRCA2):c.3233T>G (p.Val1078Gly)

Gene: BRCA2 (BRCA2 DNA repair associated; plus strand). Cytogenetic location: 13q13.1.
Variant type: single nucleotide variant.
Coding change: c.3233T>G on transcript NM_000059.4 (MANE Select); coding-DNA position 3233, T replaced by G.
Protein change: p.Val1078Gly; replaces valine 1078 with glycine.
Molecular consequence: missense variant.
Genome position (GRCh38, 1-based): chr13:32,337,588, T>G. VCF-style: chr13-32337588-T-G. GRCh37 (hg19) VCF-style: chr13-32911725-T-G.
Other names: short protein forms V1078G.
Identifiers: ClinVar variation 1687121 (VCV001687121.4), dbSNP rs1270386176, ClinGen allele CA387775929.

ClinVar aggregate classification (germline): Likely benign. Review status: criteria provided, single submitter (1 of 4 stars). 2 submissions from 2 submitters: Likely benign (1). 1 of the submissions does not count toward it. Last evaluated 2023-03-23.

Conditions:
Hereditary cancer-predisposing syndrome. Also called: Hereditary Cancer Syndrome; Hereditary neoplastic syndrome; Neoplastic Syndromes, Hereditary; Tumor predisposition. Identifiers: Orphanet 140162, MedGen C0027672, MeSH D009386, MONDO:0015356.
Familial cancer of breast. Also called: BREAST CANCER, FAMILIAL; Hereditary breast cancer; hereditary breast carcinoma. Identifiers: Orphanet 227535, MedGen C0346153, MONDO:0016419, OMIM 114480. Disease mechanism: loss of function.

Allele frequency attached by ClinVar (database versions not stated): TOPMed below 0.00001.

Submissions (2):

University of Washington Department of Laboratory Medicine, University of Washington
Classification: Likely benign for Hereditary cancer-predisposing syndrome. Last evaluated: 2023-03-23. Review status: criteria provided, single submitter. Criteria: Dines et al. (Genet Med. 2020). Collection method: curation. Allele origin: germline.
Comment: Missense variant in a coldspot region where missense variants are very unlikely to be pathogenic (PMID:31911673).

BRCA2 exon 11 coldspot. Reclassification based on statistical prior probability.

Center for Precision Medicine, Meizhou People's Hospital
Classification: Uncertain significance for Familial cancer of breast. Review status: no assertion criteria provided. Collection method: curation. Allele origin: germline. Affected: yes. Not counted in ClinVar's aggregate classification.